The following is an entry in ClinVar:

NM_004064.5(CDKN1B):c.187G>C (p.Asp63His)

Gene: CDKN1B (cyclin dependent kinase inhibitor 1B; plus strand). Cytogenetic location: 12p13.1.
Variant type: single nucleotide variant.
Coding change: c.187G>C on transcript NM_004064.5 (MANE Select); coding-DNA position 187, G replaced by C.
Protein change: p.Asp63His; replaces aspartic acid 63 with histidine.
Molecular consequence: missense variant.
Genome position (GRCh38, 1-based): chr12:12,718,026, G>C. VCF-style: chr12-12718026-G-C. GRCh37 (hg19) VCF-style: chr12-12870960-G-C.
Other names: short protein forms D63H.
Identifiers: ClinVar variation 4633349 (VCV004633349.1).

ClinVar aggregate classification (germline): Uncertain significance (1 of 4 stars; one submission).

Conditions:
Hereditary cancer-predisposing syndrome. Also called: Neoplastic Syndromes, Hereditary; Tumor predisposition; Hereditary Cancer Syndrome; Hereditary neoplastic syndrome. Identifiers: Orphanet 140162, MedGen C0027672, MeSH D009386, MONDO:0015356.

Submission:

Ambry Genetics
Classification: Uncertain significance for Hereditary cancer-predisposing syndrome. Last evaluated: 2025-10-28. Review status: criteria provided, single submitter. Criteria: Ambry Variant Classification Scheme 2023. Collection method: clinical testing. Allele origin: germline.
Comment: The p.D63H variant (also known as c.187G>C), located in coding exon 1 of the CDKN1B gene, results from a G to C substitution at nucleotide position 187. The aspartic acid at codon 63 is replaced by histidine, an amino acid with similar properties. This amino acid position is conserved. In addition, this alteration is predicted to be deleterious by in silico analysis. Based on the available evidence, the clinical significance of this variant remains unclear.